The following is an entry in ClinVar:

NM_013275.6(ANKRD11):c.5145C>G (p.Tyr1715Ter)

Gene: ANKRD11 (ankyrin repeat domain 11; minus strand). Cytogenetic location: 16q24.3.
Variant type: single nucleotide variant.
Coding change: c.5145C>G on transcript NM_013275.6 (MANE Select); coding-DNA position 5145, C replaced by G.
Protein change: p.Tyr1715Ter; replaces tyrosine 1715 with a stop codon.
Molecular consequence: nonsense.
Genome position (GRCh38, 1-based): chr16:89,281,397, G>C on the plus strand (C>G on the coding strand, the complement: ANKRD11 is on the minus strand). VCF-style: chr16-89281397-G-C. GRCh37 (hg19) VCF-style: chr16-89347805-G-C.
Other names: c.5145C>G, p.Tyr1715Ter (NM_001256182.2, NM_001256183.2); short protein forms Y1715*.
Identifiers: ClinVar variation 1029215 (VCV001029215.3), dbSNP rs1298649064, ClinGen allele CA397155450.
Genomic context (GRCh38, chr16:89,281,397, plus strand): 5'-GAGGTCCGCGTAGTCATCGGCGCTGCAGGACGGGGTCCTGGGCGTGTGCATCACCTCCTC[G>C]TAGCTGGGGCAGGATAGCACCGACGTAGGGGTGGGCACGCCAGTGGGCCGGCTCTGGTCA-3'

ClinVar aggregate classification (germline): Pathogenic. Review status: criteria provided, multiple submitters, no conflicts (2 of 4 stars). 2 submissions from 2 submitters: Pathogenic (2). Last evaluated 2024-12-04.

Conditions:
KBG syndrome (KBGS). Also called: ANKRD11-Related KBG Syndrome. Identifiers: Orphanet 2332, MedGen C0220687, MONDO:0007846, OMIM 148050.

Submissions (2):

Labcorp Genetics (formerly Invitae), Labcorp
Classification: Pathogenic for KBG syndrome. Last evaluated: 2024-12-04. Review status: criteria provided, single submitter. Criteria: Invitae Variant Classification Sherloc (09022015). Collection method: clinical testing. Allele origin: germline.
Comment: This sequence change creates a premature translational stop signal (p.Tyr1715*) in the ANKRD11 gene. It is expected to result in an absent or disrupted protein product. Loss-of-function variants in ANKRD11 are known to be pathogenic (PMID: 21782149, 25125236, 25413698, 25652421). This variant is not present in population databases (gnomAD no frequency). This premature translational stop signal has been observed in individual(s) with ANKRD11-related conditions (PMID: 30642272). ClinVar contains an entry for this variant (Variation ID: 1029215). For these reasons, this variant has been classified as Pathogenic.

Baylor Genetics
Classification: Pathogenic for KBG syndrome. Last evaluated: 2019-08-08. Review status: criteria provided, single submitter. Criteria: ACMG Guidelines, 2015. Collection method: clinical testing. Allele origin: unknown. Affected: yes.
Comment: This variant was determined to be pathogenic according to ACMG Guidelines, 2015 [PMID:25741868].

Literature cited by the submitters: PubMed 21782149 (cited by Labcorp Genetics (formerly Invitae), Labcorp); PubMed 25125236 (cited by Labcorp Genetics (formerly Invitae), Labcorp); PubMed 25413698 (cited by Labcorp Genetics (formerly Invitae), Labcorp); PubMed 25652421 (cited by Labcorp Genetics (formerly Invitae), Labcorp); PubMed 30642272 (cited by Labcorp Genetics (formerly Invitae), Labcorp).